The following is an entry in ClinVar:

NM_005476.7(GNE):c.*1660A>G

Gene: GNE (glucosamine (UDP-N-acetyl)-2-epimerase/N-acetylmannosamine kinase; minus strand). Cytogenetic location: 9p13.3.
Variant type: single nucleotide variant.
Coding change: c.*1660A>G on transcript NM_005476.7 (MANE Select); 1660 bases downstream of the stop codon, A replaced by G.
Molecular consequence: 3 prime UTR variant.
Genome position (GRCh38, 1-based): chr9:36,215,705, T>C on the plus strand (A>G on the coding strand, the complement: GNE is on the minus strand). VCF-style: chr9-36215705-T-C. GRCh37 (hg19) VCF-style: chr9-36215702-T-C.
Other names: c.*1660A>G (NM_001128227.3, NM_001190383.3, NM_001190384.3 and 3 more transcripts).
Identifiers: ClinVar variation 913456 (VCV000913456.4), dbSNP rs185870650, ClinGen allele CA192837537.

ClinVar aggregate classification (germline): Conflicting classifications of pathogenicity. Review status: criteria provided, conflicting classifications (1 of 4 stars). 2 submissions from 1 submitter: Uncertain significance (1); Likely benign (1). Last evaluated 2018-01-13.

Conditions:
GNE myopathy (NM). Also called: NONAKA DISTAL MYOPATHY; IBM 2; Inclusion body myopathy autosomal recessive; Inclusion body myopathy quadriceps sparing; INCLUSION BODY MYOPATHY, HEREDITARY, AUTOSOMAL RECESSIVE; INCLUSION BODY MYOPATHY 2, AUTOSOMAL RECESSIVE. Identifiers: Orphanet 602, MedGen C1853926, MONDO:0011603, OMIM 605820.
Sialuria. Also called: SIALURIA, FRENCH TYPE; Sialic Acid Storage Disease. Identifiers: Orphanet 3166, MedGen C0342853, MONDO:0010028, OMIM 269921.

Allele frequency attached by ClinVar (database versions not stated): 1000 Genomes Project 30x 0.00078; 1000 Genomes Project 0.00080; gnomAD 0.00216 and 0.00237; TOPMed 0.00260.

Submissions (2):

Illumina Laboratory Services, Illumina
Classification: Uncertain significance for GNE myopathy. Last evaluated: 2018-01-13. Review status: criteria provided, single submitter. Criteria: ICSL Variant Classification Criteria 13 December 2019. Collection method: clinical testing. Allele origin: germline.

Illumina Laboratory Services, Illumina
Classification: Likely benign for Sialuria. Last evaluated: 2018-01-13. Review status: criteria provided, single submitter. Criteria: ICSL Variant Classification Criteria 13 December 2019. Collection method: clinical testing. Allele origin: germline.
Comment: This variant was observed in the ICSL laboratory as part of a predisposition screen in an ostensibly healthy population. It had not been previously curated by ICSL or reported in the Human Gene Mutation Database (HGMD: prior to June 1st, 2018), and was therefore a candidate for classification through an automated scoring system. Utilizing variant allele frequency, disease prevalence and penetrance estimates, and inheritance mode, an automated score was calculated to assess if this variant is too frequent to cause the disease. Based on the score and internal cut-off values, a variant classified as likely benign is not then subjected to further curation. The score for this variant resulted in a classification of likely benign for this disease.